The following is an entry in ClinVar:

NM_145117.5(NAV2):c.1467G>A (p.Lys489=)

Gene: NAV2 (neuron navigator 2; plus strand). Cytogenetic location: 11p15.1.
Variant type: single nucleotide variant.
Coding change: c.1467G>A on transcript NM_145117.5 (MANE Select); coding-DNA position 1467, G replaced by A.
Protein change: p.Lys489=; no amino-acid change (lysine 489 retained).
Molecular consequence: synonymous variant.
Genome position (GRCh38, 1-based): chr11:19,933,711, G>A. VCF-style: chr11-19933711-G-A. GRCh37 (hg19) VCF-style: chr11-19955257-G-A.
Other names: c.1275G>A, p.Lys425= (NM_001111018.2); c.1536G>A, p.Lys512= (NM_001244963.2); c.1467G>A, p.Lys489= (NM_182964.6).
Identifiers: ClinVar variation 4995396 (VCV004995396.1).

ClinVar aggregate classification (germline): Likely benign (1 of 4 stars; one submission).

Conditions:
NAV2-related disorder. Also called: NAV2-related condition.

gnomAD v4.1: 3 of 1,614,190 alleles (0.00019%); highest among the groups gnomAD compares: South Asian, 0.0011%; no homozygotes.

Submission:

PreventionGenetics, part of Exact Sciences
Classification: Likely benign for NAV2-related condition. Last evaluated: 2026-09-02. Review status: criteria provided, single submitter. Criteria: ACMG Guidelines, 2015. Collection method: clinical testing. Allele origin: germline.
Comment: This variant is classified as likely benign based on ACMG/AMP sequence variant interpretation guidelines (Richards et al. 2015 PMID: 25741868, with internal and published modifications).